The following is an entry in ClinVar:

ClinVar aggregate classification (germline): Likely pathogenic (1 of 4 stars; one submission).

Conditions:
Familial thoracic aortic aneurysm and aortic dissection (TAAD). Also called: Thoracic aortic aneurysms and dissections. Identifiers: Orphanet 91387, MedGen C4707243, MONDO:0019625.
Marfan syndrome (MFS). Also called: Marfan syndrome, classic; Marfan syndrome type 1; Marfan's syndrome; FBN1-Related Marfan Syndrome; MARFAN SYNDROME, TYPE I. Identifiers: Orphanet 284963, Orphanet 558, MedGen C0024796, MONDO:0007947, OMIM 154700.

Submission:

Labcorp Genetics (formerly Invitae), Labcorp
Classification: Likely pathogenic for Marfan syndrome; Familial thoracic aortic aneurysm and aortic dissection. Last evaluated: 2019-05-15. Review status: criteria provided, single submitter. Criteria: Invitae Variant Classification Sherloc (09022015). Collection method: clinical testing. Allele origin: germline.
Comment: This sequence change replaces cysteine with serine at codon 2489 of the FBN1 protein (p.Cys2489Ser). The cysteine residue is highly conserved and there is a moderate physicochemical difference between cysteine and serine. This variant is not present in population databases (ExAC no frequency). This variant has not been reported in the literature in individuals with FBN1-related conditions. Algorithms developed to predict the effect of missense changes on protein structure and function are either unavailable or do not agree on the potential impact of this missense change (SIFT: "Tolerated"; PolyPhen-2: "Probably Damaging"; Align-GVGD: "Class C0"). This variant disrupts the p.Cys2489 amino acid residue in FBN1. Other variant(s) that disrupt this residue have been observed in individuals with FBN1-related conditions (PMID: 9338581, 11810645), which suggests that this may be a clinically significant amino acid residue. In summary, the currently available evidence indicates that the variant is pathogenic, but additional data are needed to prove that conclusively. Therefore, this variant has been classified as Likely Pathogenic. This variant affects a cysteine residue in the EGF-like, TGFBP or hybrid motif domains of FBN1. Cysteine residues are believed to be involved in intramolecular disulfide bridges and have been shown to be important for FBN1 protein structure (PMID: 16905551, 19349279). In addition, missense substitutions affecting cysteine residues within these domains are significantly overrepresented among patients with Marfan syndrome (PMID: 16571647, 17701892).

Literature cited by the submitters: PubMed 9338581; PubMed 11810645; PubMed 16905551; PubMed 19349279; PubMed 16571647; PubMed 17701892.

NM_000138.5(FBN1):c.7465T>A (p.Cys2489Ser)

Gene: FBN1 (fibrillin 1; minus strand). Cytogenetic location: 15q21.1.
Variant type: single nucleotide variant.
Coding change: c.7465T>A on transcript NM_000138.5 (MANE Select); coding-DNA position 7465, T replaced by A.
Protein change: p.Cys2489Ser; replaces cysteine 2489 with serine.
Molecular consequence: missense variant.
Genome position (GRCh38, 1-based): chr15:48,422,057, A>T on the plus strand (T>A on the coding strand, the complement: FBN1 is on the minus strand). VCF-style: chr15-48422057-A-T. GRCh37 (hg19) VCF-style: chr15-48714254-A-T.
Other names: short protein forms C2489S.
Identifiers: ClinVar variation 948459 (VCV000948459.9), dbSNP rs1057520728, ClinGen allele CA392326199.
Genomic context (GRCh38, chr15:48,422,057, plus strand): 5'-ATGTGAAGCCGCCAATGGTGTTAACACATAGGAACTGGCAGTTGTGTTGCTTGGTTGCAC[A>T]CTCATCAAGATCTACAAGAAAATGCAAGAGAGGCATTTGAGTCAAGCCAACAAAACAGGA-3'
Protein context (NP_000129.3, residues 2479-2499): DGRSCKDLDE[Cys2489Ser]ATKQHNCQFL